The following is an entry in ClinVar:

ClinVar aggregate classification (germline): Likely benign (0 of 4 stars; one submission).

Conditions:
AFP-related disorder. Also called: AFP-related condition.

Allele frequency attached by ClinVar (database versions not stated): ExAC 0.00005; ESP Exome Variant Server 0.00008; gnomAD 0.00009; TOPMed 0.00009; gnomAD exomes 0.00026.
gnomAD v4.1: 377 of 1,613,996 alleles (0.023%); highest among the groups gnomAD compares: Non-Finnish European, 0.031%; no homozygotes.

Submission:

PreventionGenetics, part of Exact Sciences
Classification: Likely benign for AFP-related condition. Last evaluated: 2019-09-23. Review status: no assertion criteria provided. Collection method: clinical testing. Allele origin: germline.
Comment: This variant is classified as likely benign based on ACMG/AMP sequence variant interpretation guidelines (Richards et al. 2015 PMID: 25741868, with internal and published modifications).

NM_001134.3(AFP):c.1533C>T (p.Cys511=)

Gene: AFP (alpha fetoprotein; plus strand). Cytogenetic location: 4q13.3.
Variant type: single nucleotide variant.
Coding change: c.1533C>T on transcript NM_001134.3 (MANE Select); coding-DNA position 1533, C replaced by T.
Protein change: p.Cys511=; no amino-acid change (cysteine 511 retained).
Molecular consequence: synonymous variant.
Genome position (GRCh38, 1-based): chr4:73,452,505, C>T. VCF-style: chr4-73452505-C-T. GRCh37 (hg19) VCF-style: chr4-74318222-C-T.
Other names: c.1059C>T, p.Cys353= (NM_001354717.2).
Identifiers: ClinVar variation 3040398 (VCV003040398.2), dbSNP rs200600473, ClinGen allele CA2960274.
Genomic context (GRCh38, chr4:73,452,505, plus strand): 5'-TCCAGTAAACCCTGGTGTTGGCCAGTGCTGCACTTCTTCATATGCCAACAGGAGGCCATG[C>T]TTCAGCAGCTTGGTGGTGGATGAAACATATGTCCCTCCTGCATTCTCTGATGACAAGTTC-3'
Protein context (NP_001125.1, residues 501-521): CTSSYANRRP[Cys511=]FSSLVVDETY